The following is an entry in ClinVar:

ClinVar aggregate classification (germline): Uncertain significance (1 of 4 stars; one submission).

Allele frequency attached by ClinVar (database versions not stated): gnomAD exomes 0.00001.

Submission:

Labcorp Genetics (formerly Invitae), Labcorp
Classification: Uncertain significance. Last evaluated: 2022-06-13. Review status: criteria provided, single submitter. Criteria: Invitae Variant Classification Sherloc (09022015). Collection method: clinical testing. Allele origin: germline.
Comment: In summary, the available evidence is currently insufficient to determine the role of this variant in disease. Therefore, it has been classified as a Variant of Uncertain Significance. Variants that disrupt the consensus splice site are a relatively common cause of aberrant splicing (PMID: 17576681, 9536098). Algorithms developed to predict the effect of sequence changes on RNA splicing suggest that this variant is not likely to affect RNA splicing. This variant has not been reported in the literature in individuals affected with PHYH-related conditions. This variant is not present in population databases (gnomAD no frequency). This sequence change falls in intron 3 of the PHYH gene. It does not directly change the encoded amino acid sequence of the PHYH protein. It affects a nucleotide within the consensus splice site.

Literature cited by the submitters: PubMed 17576681; PubMed 9536098.

NM_006214.4(PHYH):c.246-3T>C

Gene: PHYH (phytanoyl-CoA 2-hydroxylase; minus strand). Cytogenetic location: 10p13.
Variant type: single nucleotide variant.
Coding change: c.246-3T>C on transcript NM_006214.4 (MANE Select); 3 bases into the intron before coding-DNA position 246, T replaced by C.
Molecular consequence: intron variant.
Genome position (GRCh38, 1-based): chr10:13,294,599, A>G on the plus strand (T>C on the coding strand, the complement: PHYH is on the minus strand). VCF-style: chr10-13294599-A-G. GRCh37 (hg19) VCF-style: chr10-13336599-A-G.
Other names: c.246-3T>C (NM_001323083.2, NM_001323082.2); c.-55-3T>C (NM_001037537.2, NM_001323084.2, NM_001323080.2).
Identifiers: ClinVar variation 1425131 (VCV001425131.6), dbSNP rs2131652181, ClinGen allele CA2573144981.